The following is an entry in ClinVar:

NM_001378452.1(ITPR1):c.3574C>T (p.Arg1192Trp)

Gene: ITPR1 (inositol 1,4,5-trisphosphate receptor type 1; plus strand). Cytogenetic location: 3p26.1.
Variant type: single nucleotide variant.
Coding change: c.3574C>T on transcript NM_001378452.1 (MANE Select); coding-DNA position 3574, C replaced by T.
Protein change: p.Arg1192Trp; replaces arginine 1192 with tryptophan.
Molecular consequence: missense variant.
Genome position (GRCh38, 1-based): chr3:4,685,078, C>T. VCF-style: chr3-4685078-C-T. GRCh37 (hg19) VCF-style: chr3-4726762-C-T.
Other names: c.3547C>T, p.Arg1183Trp (NM_001099952.4); c.3529C>T, p.Arg1177Trp (NM_001168272.2); c.3502C>T, p.Arg1168Trp (NM_002222.7); short protein forms R1168W, R1177W, R1183W, R1192W.
Identifiers: ClinVar variation 3375775 (VCV003375775.2).

ClinVar aggregate classification (germline): Uncertain significance (1 of 4 stars; one submission).

gnomAD v4.1: 15 of 1,608,892 alleles (0.00093%); highest among the groups gnomAD compares: East Asian, 0.0022%; no homozygotes.

Submission:

GeneDx
Classification: Uncertain significance. Last evaluated: 2025-01-24. Review status: criteria provided, single submitter. Criteria: GeneDx Variant Classification Process June 2021. Collection method: clinical testing. Allele origin: germline.
Comment: In silico analysis supports that this missense variant has a deleterious effect on protein structure/function; Has not been previously published as pathogenic or benign to our knowledge